The following is an entry in ClinVar:

NM_206933.4(USH2A):c.14429G>T (p.Cys4810Phe)

Gene: USH2A (usherin; minus strand). Cytogenetic location: 1q41.
Variant type: single nucleotide variant.
Coding change: c.14429G>T on transcript NM_206933.4 (MANE Select); coding-DNA position 14429, G replaced by T.
Protein change: p.Cys4810Phe; replaces cysteine 4810 with phenylalanine.
Molecular consequence: missense variant.
Genome position (GRCh38, 1-based): chr1:215,648,681, C>A on the plus strand (G>T on the coding strand, the complement: USH2A is on the minus strand). VCF-style: chr1-215648681-C-A. GRCh37 (hg19) VCF-style: chr1-215822023-C-A.
Other names: c.14429G>T (NM_206933.2); short protein forms C4810F.
Identifiers: ClinVar variation 2127149 (VCV002127149.6), dbSNP rs2464816031, ClinGen allele CA344833833.
Genomic context (GRCh38, chr1:215,648,681, plus strand): 5'-GAGGGTGGGGCAGGATGGGTTCTCAGTTCAGCTGTCGGTCCTTTGCTGCAACAGTTGAAG[C>A]AGGTGCAGGCCTCTACTCCAATAGAGTAGTTAGTGAAGGCTTGAAGGCCATGGAGAGTCT-3'
Protein context (NP_996816.3, residues 4800-4820): NYSIGVEACT[Cys4810Phe]FNCCSKGPTA

ClinVar aggregate classification (germline): Uncertain significance. Review status: criteria provided, multiple submitters, no conflicts (2 of 4 stars). 3 submissions from 3 submitters: Uncertain significance (2). 1 of the submissions does not count toward it. Last evaluated 2022-12-13.

Conditions:
Usher syndrome type 2A. Also called: USHER SYNDROME, TYPE IIA; RETINAL DISEASE IN USHER SYNDROME TYPE IIA, MODIFIER OF. Identifiers: Orphanet 231178, Orphanet 886, MedGen C1848634, MONDO:0010169, OMIM 276901.

gnomAD v4.1: 1 of 1,614,210 alleles (0.000062%); highest among the groups gnomAD compares: Non-Finnish European, 0.000085%; no homozygotes.

Submissions (3):

Blueprint Genetics
Classification: Uncertain significance. Last evaluated: 2022-12-13. Review status: criteria provided, single submitter. Criteria: ACMG Guidelines, 2015. Collection method: clinical testing. Allele origin: germline.

Labcorp Genetics (formerly Invitae), Labcorp
Classification: Uncertain significance. Last evaluated: 2022-09-27. Review status: criteria provided, single submitter. Criteria: Invitae Variant Classification Sherloc (09022015). Collection method: clinical testing. Allele origin: germline.
Comment: This sequence change replaces cysteine, which is neutral and slightly polar, with phenylalanine, which is neutral and non-polar, at codon 4810 of the USH2A protein (p.Cys4810Phe). This variant is not present in population databases (gnomAD no frequency). This variant has not been reported in the literature in individuals affected with USH2A-related conditions. Advanced modeling of protein sequence and biophysical properties (such as structural, functional, and spatial information, amino acid conservation, physicochemical variation, residue mobility, and thermodynamic stability) performed at Invitae indicates that this missense variant is expected to disrupt USH2A protein function. In summary, the available evidence is currently insufficient to determine the role of this variant in disease. Therefore, it has been classified as a Variant of Uncertain Significance.

Natera, Inc.
Classification: Uncertain significance for Usher syndrome type 2A. Last evaluated: 2025-01-16. Review status: no assertion criteria provided. Collection method: clinical testing. Allele origin: germline. Not counted in ClinVar's aggregate classification.